The following is an entry in ClinVar:

ClinVar aggregate classification (germline): Conflicting classifications of pathogenicity. Review status: criteria provided, conflicting classifications (1 of 4 stars). 5 submissions from 5 submitters: Uncertain significance (3); Likely benign (2). Last evaluated 2026-05-20.

Allele frequency attached by ClinVar (database versions not stated): ExAC 0.00002; gnomAD 0.00010; ESP Exome Variant Server 0.00008; TOPMed 0.00008; 1000 Genomes Project 0.00040; 1000 Genomes Project 30x 0.00047; gnomAD exomes 0.00003.
gnomAD v4.1: 70 of 1,613,856 alleles (0.0043%); highest among the groups gnomAD compares: Admixed American, 0.0067%; no homozygotes.

Submissions (5):

Women's Health and Genetics/Laboratory Corporation of America, LabCorp
Classification: Uncertain significance. Last evaluated: 2026-05-20. Review status: criteria provided, single submitter. Criteria: LabCorp Variant Classification Summary - May 2015. Collection method: clinical testing. Allele origin: germline.
Comment: Variant summary: ADGRV1 c.13757A>G (p.Glu4586Gly) results in a non-conservative amino acid change in the encoded protein sequence. Algorithms developed to predict the effect of missense changes on protein structure and function are either unavailable or do not agree on the potential impact of this missense change. The variant allele was found at a frequency of 2.8e-05 in 248882 control chromosomes. The available data on variant occurrences in the general population are insufficient to allow any conclusion about variant significance. To our knowledge, no occurrence of c.13757A>G in individuals affected with ADGRV1-related conditions and no experimental evidence demonstrating its impact on protein function have been reported. ClinVar contains an entry for this variant (Variation ID: 935563). Based on the evidence outlined above, the variant was classified as uncertain significance.

Labcorp Genetics (formerly Invitae), Labcorp
Classification: Likely benign. Last evaluated: 2026-01-05. Review status: criteria provided, single submitter. Criteria: Invitae Variant Classification Sherloc (09022015). Collection method: clinical testing. Allele origin: germline.

GeneDx
Classification: Uncertain significance. Last evaluated: 2024-04-22. Review status: criteria provided, single submitter. Criteria: GeneDx Variant Classification Process June 2021. Collection method: clinical testing. Allele origin: germline. Affected: yes.
Comment: Not observed at significant frequency in large population cohorts (gnomAD); In silico analysis supports that this missense variant has a deleterious effect on protein structure/function; Has not been previously published as pathogenic or benign to our knowledge

Blueprint Genetics
Classification: Uncertain significance. Last evaluated: 2023-11-27. Review status: criteria provided, single submitter. Criteria: ACMG Guidelines, 2015. Collection method: clinical testing. Allele origin: germline.

Laboratorio de Genetica e Diagnostico Molecular, Hospital Israelita Albert Einstein
Classification: Likely benign. Last evaluated: 2022-01-04. Review status: criteria provided, single submitter. Criteria: ACMG Guidelines, 2015. Collection method: clinical testing. Allele origin: germline. Affected: yes.
Comment: ACMG classification criteria: BS1, BP4

NM_032119.4(ADGRV1):c.13757A>G (p.Glu4586Gly)

Gene: ADGRV1 (adhesion G protein-coupled receptor V1; plus strand). Cytogenetic location: 5q14.3.
Variant type: single nucleotide variant.
Coding change: c.13757A>G on transcript NM_032119.4 (MANE Select); coding-DNA position 13757, A replaced by G.
Protein change: p.Glu4586Gly; replaces glutamic acid 4586 with glycine.
Molecular consequence: missense variant. On other transcripts: non-coding transcript variant (1).
Genome position (GRCh38, 1-based): chr5:90,788,174, A>G. VCF-style: chr5-90788174-A-G. GRCh37 (hg19) VCF-style: chr5-90083991-A-G.
Other names: short protein forms E4586G.
Identifiers: ClinVar variation 935563 (VCV000935563.13), dbSNP rs371917393, ClinGen allele CA3341603.
Genomic context (GRCh38, chr5:90,788,174, plus strand): 5'-TGCCACAGAATAGAGACATTGCAGACCCAGTGAGCGGGTTGTTCTATTTTGGAGAAGGAG[A>G]AGGAGGAGTGAGAACCATAATTCTGACAATCTATCCTCATGAAGAAATTGAAGTTGAAGA-3'
Protein context (NP_115495.3, residues 4576-4596): VSGLFYFGEG[Glu4586Gly]GGVRTIILTI